The following is an entry in ClinVar:

NM_005432.4(XRCC3):c.1020A>C (p.Thr340=)

Genes: KLC1 (kinesin light chain 1; plus strand), XRCC3 (X-ray repair cross complementing 3; minus strand). Cytogenetic location: 14q32.33.
Variant type: single nucleotide variant.
Coding change: c.1020A>C on transcript NM_005432.4 (MANE Select); coding-DNA position 1020, A replaced by C.
Protein change: p.Thr340=; no amino-acid change (threonine 340 retained).
Molecular consequence: synonymous variant. On other transcripts: intron variant (15).
Genome position (GRCh38, 1-based): chr14:103,698,819, T>G on the plus strand (A>C on the coding strand, the complement: XRCC3 is on the minus strand). VCF-style: chr14-103698819-T-G. GRCh37 (hg19) VCF-style: chr14-104165156-T-G.
Other names: c.1020A>C, p.Thr340= (NM_001100118.2, NM_001100119.2, NM_001371229.1 and 2 more transcripts); c.1924-1836T>G (NM_001394832.1); c.1857-1836T>G (NM_001394836.1); c.1726-1836T>G (NM_001394846.1); c.1897-1836T>G (NM_001394834.1); c.1830-1836T>G (NM_001394839.1); c.1699-1836T>G (NM_001394848.1); c.1849-1836T>G (NM_001394837.1); and 8 more.
Identifiers: ClinVar variation 3050315 (VCV003050315.2), dbSNP rs2082806561, ClinGen allele CA488046054.

ClinVar aggregate classification (germline): Likely benign (0 of 4 stars; one submission).

Conditions:
XRCC3-related disorder. Also called: XRCC3-related condition.

gnomAD v4.1: 3 of 1,602,560 alleles (0.00019%); highest among the groups gnomAD compares: Middle Eastern, 0.017%; no homozygotes.

Submission:

PreventionGenetics, part of Exact Sciences
Classification: Likely benign for XRCC3-related condition. Last evaluated: 2019-07-10. Review status: no assertion criteria provided. Collection method: clinical testing. Allele origin: germline.
Comment: This variant is classified as likely benign based on ACMG/AMP sequence variant interpretation guidelines (Richards et al. 2015 PMID: 25741868, with internal and published modifications).